The following is an entry in ClinVar:

NM_001605.3(AARS1):c.1321T>C (p.Phe441Leu)

Gene: AARS1 (alanyl-tRNA synthetase 1; minus strand). Cytogenetic location: 16q22.1.
Variant type: single nucleotide variant.
Coding change: c.1321T>C on transcript NM_001605.3 (MANE Select); coding-DNA position 1321, T replaced by C.
Protein change: p.Phe441Leu; replaces phenylalanine 441 with leucine.
Molecular consequence: missense variant.
Genome position (GRCh38, 1-based): chr16:70,265,564, A>G on the plus strand (T>C on the coding strand, the complement: AARS1 is on the minus strand). VCF-style: chr16-70265564-A-G. GRCh37 (hg19) VCF-style: chr16-70299467-A-G.
Other names: short protein forms F441L.
Identifiers: ClinVar variation 3005033 (VCV003005033.4), dbSNP rs2507009518, ClinGen allele CA396561870.

ClinVar aggregate classification (germline): Uncertain significance. Review status: criteria provided, multiple submitters, no conflicts (2 of 4 stars). 2 submissions from 2 submitters: Uncertain significance (2). Last evaluated 2024-03-05.

Conditions:
Charcot-Marie-Tooth disease type 2. Also called: Charcot-Marie-Tooth type 2. Identifiers: Orphanet 64746, MedGen C0270914, MONDO:0018993.

Allele frequency attached by ClinVar (database versions not stated): gnomAD exomes below 0.00001.
gnomAD v4.1: 4 of 1,614,014 alleles (0.00025%); highest among the groups gnomAD compares: Non-Finnish European, 0.00034%; no homozygotes.

Submissions (2):

GeneDx
Classification: Uncertain significance. Last evaluated: 2024-03-05. Review status: criteria provided, single submitter. Criteria: GeneDx Variant Classification Process June 2021. Collection method: clinical testing. Allele origin: germline. Affected: yes.
Comment: Not observed at significant frequency in large population cohorts (gnomAD); In silico analysis supports that this missense variant has a deleterious effect on protein structure/function; Has not been previously published as pathogenic or benign to our knowledge; This variant is associated with the following publications: (PMID: 25817015)

Labcorp Genetics (formerly Invitae), Labcorp
Classification: Uncertain significance for Charcot-Marie-Tooth disease type 2. Last evaluated: 2023-03-24. Review status: criteria provided, single submitter. Criteria: Invitae Variant Classification Sherloc (09022015). Collection method: clinical testing. Allele origin: germline.
Comment: This variant has not been reported in the literature in individuals affected with AARS-related conditions. This sequence change replaces phenylalanine, which is neutral and non-polar, with leucine, which is neutral and non-polar, at codon 441 of the AARS protein (p.Phe441Leu). This variant is not present in population databases (gnomAD no frequency). Advanced modeling of protein sequence and biophysical properties (such as structural, functional, and spatial information, amino acid conservation, physicochemical variation, residue mobility, and thermodynamic stability) performed at Invitae indicates that this missense variant is not expected to disrupt AARS protein function. In summary, the available evidence is currently insufficient to determine the role of this variant in disease. Therefore, it has been classified as a Variant of Uncertain Significance.